The following is an entry in ClinVar:

NM_000543.5(SMPD1):c.1288C>T (p.Pro430Ser)

Gene: SMPD1 (sphingomyelin phosphodiesterase 1; plus strand). Cytogenetic location: 11p15.4.
Variant type: single nucleotide variant.
Coding change: c.1288C>T on transcript NM_000543.5 (MANE Select); coding-DNA position 1288, C replaced by T.
Protein change: p.Pro430Ser; replaces proline 430 with serine.
Molecular consequence: missense variant. On other transcripts: non-coding transcript variant (2).
Genome position (GRCh38, 1-based): chr11:6,393,641, C>T. VCF-style: chr11-6393641-C-T. GRCh37 (hg19) VCF-style: chr11-6414871-C-T.
Other names: c.1285C>T, p.Pro429Ser (NM_001007593.3); c.1288C>T, p.Pro430Ser (NM_001318087.2); c.367C>T, p.Pro123Ser (NM_001318088.2); c.1156C>T, p.Pro386Ser (NM_001365135.2); short protein forms P386S, P429S, P430S, P123S.
Identifiers: ClinVar variation 1501508 (VCV001501508.6), dbSNP rs140688153, ClinGen allele CA217301969.

ClinVar aggregate classification (germline): Likely pathogenic (1 of 4 stars; one submission).

Conditions:
Niemann-Pick disease, type B. Also called: Chronic Visceral ASMD (Niemann-Pick Disease Type B; NPD-B). Identifiers: Orphanet 77293, MedGen C0268243, MONDO:0011871, OMIM 607616. Disease mechanism: loss of function.
Niemann-Pick disease, type A. Also called: Infantile Neurovisceral ASMD (Niemann-Pick Disease Type A; NPD-A); SPHINGOMYELIN LIPIDOSIS; SPHINGOMYELINASE DEFICIENCY. Identifiers: Orphanet 77292, MedGen C0268242, MONDO:0009756, OMIM 257200. Disease mechanism: loss of function.

Submission:

Labcorp Genetics (formerly Invitae), Labcorp
Classification: Likely pathogenic for Niemann-Pick disease, type B; Niemann-Pick disease, type A. Last evaluated: 2023-01-27. Review status: criteria provided, single submitter. Criteria: Invitae Variant Classification Sherloc (09022015). Collection method: clinical testing. Allele origin: germline.
Comment: This sequence change replaces proline, which is neutral and non-polar, with serine, which is neutral and polar, at codon 430 of the SMPD1 protein (p.Pro430Ser). This variant is not present in population databases (gnomAD no frequency). This missense change has been observed in individual(s) with Niemann-Pick disease type B (PMID: 23356216). ClinVar contains an entry for this variant (Variation ID: 1501508). Advanced modeling of protein sequence and biophysical properties (such as structural, functional, and spatial information, amino acid conservation, physicochemical variation, residue mobility, and thermodynamic stability) performed at Invitae indicates that this missense variant is expected to disrupt SMPD1 protein function. In summary, the currently available evidence indicates that the variant is pathogenic, but additional data are needed to prove that conclusively. Therefore, this variant has been classified as Likely Pathogenic.

Literature cited by the submitters: PubMed 23356216.